The following is an entry in ClinVar:

ClinVar aggregate classification (germline): Uncertain significance. Review status: criteria provided, multiple submitters, no conflicts (2 of 4 stars). 4 submissions from 4 submitters: Uncertain significance (4). Last evaluated 2024-04-20.

Conditions:
Inborn genetic diseases. Identifiers: MedGen C0950123, MeSH D030342.
Lethal Kniest-like syndrome (DDSH). Also called: Dyssegmental Dysplasia. Identifiers: Orphanet 1865, MedGen C1857100, MONDO:0009140, OMIM 224410.

Allele frequency attached by ClinVar (database versions not stated): ExAC 0.00003; gnomAD 0.00003; TOPMed 0.00003; gnomAD exomes 0.00004 and 0.00006.
gnomAD v4.1: 29 of 1,610,412 alleles (0.0018%); highest among the groups gnomAD compares: Admixed American, 0.047%; no homozygotes.

Submissions (4):

Ambry Genetics
Classification: Uncertain significance for Inborn genetic diseases. Last evaluated: 2024-04-20. Review status: criteria provided, single submitter. Criteria: Ambry Variant Classification Scheme 2023. Collection method: clinical testing. Allele origin: germline.

Labcorp Genetics (formerly Invitae), Labcorp
Classification: Uncertain significance. Last evaluated: 2022-09-23. Review status: criteria provided, single submitter. Criteria: Invitae Variant Classification Sherloc (09022015). Collection method: clinical testing. Allele origin: germline.
Comment: This sequence change replaces glutamine, which is neutral and polar, with arginine, which is basic and polar, at codon 1292 of the HSPG2 protein (p.Gln1292Arg). The frequency data for this variant in the population databases is considered unreliable, as metrics indicate poor data quality at this position in the gnomAD database. This variant has not been reported in the literature in individuals affected with HSPG2-related conditions. ClinVar contains an entry for this variant (Variation ID: 804900). Algorithms developed to predict the effect of missense changes on protein structure and function (SIFT, PolyPhen-2, Align-GVGD) all suggest that this variant is likely to be tolerated. Algorithms developed to predict the effect of sequence changes on RNA splicing suggest that this variant may disrupt the consensus splice site. In summary, the available evidence is currently insufficient to determine the role of this variant in disease. Therefore, it has been classified as a Variant of Uncertain Significance.

Baylor Genetics
Classification: Uncertain significance for Lethal Kniest-like syndrome. Last evaluated: 2019-10-15. Review status: criteria provided, single submitter. Criteria: ACMG Guidelines, 2015. Collection method: clinical testing. Allele origin: unknown. Affected: yes.
Comment: This variant was determined to be of uncertain significance according to ACMG Guidelines, 2015 [PMID:25741868].

Athena Diagnostics
Classification: Uncertain significance. Last evaluated: 2018-12-31. Review status: criteria provided, single submitter. Criteria: Athena Diagnostics Criteria. Collection method: clinical testing. Allele origin: germline.

NM_005529.7(HSPG2):c.3875A>G (p.Gln1292Arg)

Gene: HSPG2 (heparan sulfate proteoglycan 2; minus strand). Cytogenetic location: 1p36.12.
Variant type: single nucleotide variant.
Coding change: c.3875A>G on transcript NM_005529.7 (MANE Select); coding-DNA position 3875, A replaced by G.
Protein change: p.Gln1292Arg; replaces glutamine 1292 with arginine.
Molecular consequence: missense variant.
Genome position (GRCh38, 1-based): chr1:21,873,010, T>C on the plus strand (A>G on the coding strand, the complement: HSPG2 is on the minus strand). VCF-style: chr1-21873010-T-C. GRCh37 (hg19) VCF-style: chr1-22199503-T-C.
Other names: c.3878A>G, p.Gln1293Arg (NM_001291860.2); short protein forms Q1292R, Q1293R.
Identifiers: ClinVar variation 804900 (VCV000804900.9), dbSNP rs764233594, ClinGen allele CA672483.
Genomic context (GRCh38, chr1:21,873,010, plus strand): 5'-GGCAGCGGGGCAGAGCAGGCCCCGCAGGGACAGGGATTCGGACTGACCTTGCACTGGCAC[T>C]GACCAGCAGCATCACACTGGCTGCTGACGCTGCCTTGGGGGTCACAGTTGCAGCCTATGG-3'
Protein context (NP_005520.4, residues 1282-1302): SVSSQCDAAG[Gln1292Arg]CQCKAQVEGL